The following is an entry in ClinVar:

NM_000059.4(BRCA2):c.3957_3960del (p.Asn1319fs)

Gene: BRCA2 (BRCA2 DNA repair associated; plus strand). Cytogenetic location: 13q13.1.
Variant type: Deletion.
Coding change: c.3957_3960del on transcript NM_000059.4 (MANE Select); coding-DNA positions 3957 to 3960, 4 bases deleted (TGAA; older notation c.3957_3960delTGAA).
Protein change: p.Asn1319fs; shifts the reading frame from asparagine 1319.
Molecular consequence: frameshift variant.
Genome position (GRCh38, 1-based): chr13:32,338,312-32,338,315, TGAA deleted; deleting any 4 consecutive bases within chr13:32,338,310-32,338,315 gives the same sequence; the c. name uses the placement nearest the transcript's 3' end. VCF-style (leftmost placement, unchanged base first): chr13-32338309-AAATG-A. GRCh37 (hg19) VCF-style: chr13-32912446-AAATG-A.
Other names: 4184del4; c.3957_3960delTGAA (NM_000059.3); short protein forms N1319fs.
Identifiers: ClinVar variation 254529 (VCV000254529.14), dbSNP rs80359417, ClinGen allele CA019261.

ClinVar aggregate classification (germline): Pathogenic. Review status: reviewed by expert panel (3 of 4 stars). 4 submissions from 4 submitters: Pathogenic (1). 3 of the submissions do not count toward it. Last evaluated 2016-09-08.

Conditions:
Hereditary cancer-predisposing syndrome. Also called: Tumor predisposition; Hereditary Cancer Syndrome; Neoplastic Syndromes, Hereditary; Hereditary neoplastic syndrome. Identifiers: Orphanet 140162, MedGen C0027672, MeSH D009386, MONDO:0015356.
Hereditary breast ovarian cancer syndrome. Also called: Hereditary breast and ovarian cancer; Breast and ovarian cancer; Hereditary breast and/or ovarian cancer syndrome; BRCA1- and BRCA2-Associated Hereditary Breast and Ovarian Cancer; Hereditary breast and ovarian cancer syndrome; Hereditary breast and ovarian cancer syndrome (HBOC). Identifiers: Orphanet 145, MedGen C0677776, MeSH D061325, MONDO:0003582. Disease mechanism: loss of function.
Breast-ovarian cancer, familial, susceptibility to, 2 (BROVCA2). Also called: BRCA2 Hereditary Breast and Ovarian Cancer. Identifiers: Orphanet 145, MedGen C2675520, MONDO:0012933, OMIM 612555. Disease mechanism: loss of function.

Submissions (4):

Evidence-based Network for the Interpretation of Germline Mutant Alleles (ENIGMA)
Classification: Pathogenic for Breast-ovarian cancer, familial, susceptibility to, 2. Last evaluated: 2016-09-08. Review status: reviewed by expert panel. Criteria: ENIGMA BRCA1/2 Classification Criteria (2015). Collection method: curation. Allele origin: germline.
Comment: Variant allele predicted to encode a truncated non-functional protein.

Labcorp Genetics (formerly Invitae), Labcorp
Classification: Pathogenic for Hereditary breast ovarian cancer syndrome. Last evaluated: 2025-07-30. Review status: criteria provided, single submitter. Criteria: Invitae Variant Classification Sherloc (09022015). Collection method: clinical testing. Allele origin: germline. Not counted in ClinVar's aggregate classification.
Comment: This sequence change creates a premature translational stop signal (p.Asn1319Lysfs*15) in the BRCA2 gene. It is expected to result in an absent or disrupted protein product. Loss-of-function variants in BRCA2 are known to be pathogenic (PMID: 20104584). This variant is not present in population databases (gnomAD no frequency). This premature translational stop signal has been observed in individual(s) with BRCA2-related conditions (PMID: 21520333). ClinVar contains an entry for this variant (Variation ID: 254529). For these reasons, this variant has been classified as Pathogenic.

Ambry Genetics
Classification: Pathogenic for Hereditary cancer-predisposing syndrome. Last evaluated: 2020-07-21. Review status: criteria provided, single submitter. Criteria: Ambry General Variant Classification Scheme_2022. Collection method: clinical testing. Allele origin: germline. Observed: 1 variant allele. Not counted in ClinVar's aggregate classification.
Comment: The c.3957_3960delTGAA pathogenic mutation, located in coding exon 10 of the BRCA2 gene, results from a deletion of 4 nucleotides at nucleotide positions 3957 to 3960, causing a translational frameshift with a predicted alternate stop codon (p.N1319Kfs*15). This alteration is expected to result in loss of function by premature protein truncation or nonsense-mediated mRNA decay. As such, this alteration is interpreted as a disease-causing mutation.

Breast Cancer Information Core (BIC) (BRCA2)
Classification: Pathogenic for Breast-ovarian cancer, familial 2. Last evaluated: 1999-12-30. Review status: no assertion criteria provided. Collection method: clinical testing. Allele origin: germline. Affected: yes. Observed: 1 variant allele. Not counted in ClinVar's aggregate classification.

Literature cited by the submitters: PubMed 20104584 (cited by Labcorp Genetics (formerly Invitae), Labcorp); PubMed 21520333 (cited by Labcorp Genetics (formerly Invitae), Labcorp).